The following is an entry in ClinVar:

ClinVar aggregate classification (germline): Uncertain significance. Review status: criteria provided, multiple submitters, no conflicts (2 of 4 stars). 9 submissions from 9 submitters: Uncertain significance (8). 1 of the submissions does not count toward it. Last evaluated 2025-09-12.

Conditions:
NEB-related disorder. Also called: NEB-related condition; NEB-Related Disorders.
Nemaline myopathy 2 (NEM2). Also called: Nemaline myopathy 2, autosomal recessive. Identifiers: MedGen C1850569, MONDO:0009725, OMIM 256030.

Allele frequency attached by ClinVar (database versions not stated): gnomAD exomes 0.00034 and 0.00072; ExAC 0.00036; gnomAD 0.00040 and 0.00043; TOPMed 0.00044; ESP Exome Variant Server 0.00048.
gnomAD v4.1: 1,147 of 1,613,830 alleles (0.071%); highest among the groups gnomAD compares: Non-Finnish European, 0.086%; no homozygotes.

Submissions (9):

PreventionGenetics, part of Exact Sciences
Classification: Uncertain significance for NEB-related condition. Last evaluated: 2025-09-12. Review status: criteria provided, single submitter. Criteria: ACMG Guidelines, 2015. Collection method: clinical testing. Allele origin: germline.
Comment: The NEB c.8644G>A variant is predicted to result in the amino acid substitution p.Asp2882Asn. To our knowledge, this variant has not been reported in the literature. This variant is reported in 0.062% of alleles in individuals of European (Non-Finnish) descent in gnomAD. At this time, the clinical significance of this variant is uncertain due to the absence of conclusive functional and genetic evidence.

Blueprint Genetics
Classification: Uncertain significance. Last evaluated: 2024-11-14. Review status: criteria provided, single submitter. Criteria: ACMG Guidelines, 2015. Collection method: clinical testing. Allele origin: germline.

Revvity Omics, Revvity
Classification: Uncertain significance. Last evaluated: 2024-08-29. Review status: criteria provided, single submitter. Criteria: ACMG Guidelines, 2015. Collection method: clinical testing. Allele origin: germline.

GeneDx
Classification: Uncertain significance. Last evaluated: 2024-07-24. Review status: criteria provided, single submitter. Criteria: GeneDx Variant Classification Process June 2021. Collection method: clinical testing. Allele origin: germline. Affected: yes.
Comment: In silico analysis supports that this missense variant has a deleterious effect on protein structure/function; Has not been previously published as pathogenic or benign to our knowledge

Women's Health and Genetics/Laboratory Corporation of America, LabCorp
Classification: Uncertain significance. Last evaluated: 2024-04-29. Review status: criteria provided, single submitter. Criteria: LabCorp Variant Classification Summary - May 2015. Collection method: clinical testing. Allele origin: germline.
Comment: Variant summary: NEB c.8644G>A (p.Asp2882Asn) results in a conservative amino acid change in the encoded protein sequence. Three of five in-silico tools predict a damaging effect of the variant on protein function. The variant allele was found at a frequency of 0.00034 in 249102 control chromosomes. This frequency is not significantly higher than estimated for a pathogenic variant in NEB causing Nemaline Myopathy 2 (0.00034 vs 0.0035), allowing no conclusion about variant significance. To our knowledge, no occurrence of c.8644G>A in individuals affected with Nemaline Myopathy 2 and no experimental evidence demonstrating its impact on protein function have been reported. ClinVar contains an entry for this variant (Variation ID: 198308). Based on the evidence outlined above, the variant was classified as uncertain significance.

Labcorp Genetics (formerly Invitae), Labcorp
Classification: Uncertain significance for Nemaline myopathy 2. Last evaluated: 2022-10-04. Review status: criteria provided, single submitter. Criteria: Invitae Variant Classification Sherloc (09022015). Collection method: clinical testing. Allele origin: germline.
Comment: This sequence change replaces aspartic acid, which is acidic and polar, with asparagine, which is neutral and polar, at codon 2882 of the NEB protein (p.Asp2882Asn). This variant is present in population databases (rs200729207, gnomAD 0.06%). This variant has not been reported in the literature in individuals affected with NEB-related conditions. ClinVar contains an entry for this variant (Variation ID: 198308). Algorithms developed to predict the effect of missense changes on protein structure and function are either unavailable or do not agree on the potential impact of this missense change (SIFT: "Deleterious"; PolyPhen-2: "Not Available"; Align-GVGD: "Class C0"). In summary, the available evidence is currently insufficient to determine the role of this variant in disease. Therefore, it has been classified as a Variant of Uncertain Significance.

Illumina Laboratory Services, Illumina
Classification: Uncertain significance for Nemaline myopathy 2. Last evaluated: 2017-04-27. Review status: criteria provided, single submitter. Criteria: ICSL Variant Classification Criteria 13 December 2019. Collection method: clinical testing. Allele origin: germline.

Eurofins Ntd Llc (ga)
Classification: Uncertain significance. Last evaluated: 2015-02-05. Review status: criteria provided, single submitter. Criteria: EGL Classification Definitions 2015. Collection method: clinical testing. Allele origin: germline. Observed: 2 variant alleles, 2 heterozygotes.

Natera, Inc.
Classification: Uncertain significance for Nemaline myopathy type 2. Last evaluated: 2020-01-01. Review status: no assertion criteria provided. Collection method: clinical testing. Allele origin: germline. Not counted in ClinVar's aggregate classification.

NM_001164508.2(NEB):c.8644G>A (p.Asp2882Asn)

Gene: NEB (nebulin; minus strand). Cytogenetic location: 2q23.3.
Variant type: single nucleotide variant.
Coding change: c.8644G>A on transcript NM_001164508.2 (MANE Select); coding-DNA position 8644, G replaced by A.
Protein change: p.Asp2882Asn; replaces aspartic acid 2882 with asparagine.
Molecular consequence: missense variant.
Genome position (GRCh38, 1-based): chr2:151,640,396, C>T on the plus strand (G>A on the coding strand, the complement: NEB is on the minus strand). VCF-style: chr2-151640396-C-T. GRCh37 (hg19) VCF-style: chr2-152496910-C-T.
Other names: c.8644G>A, p.Asp2882Asn (NM_001164507.2, NM_001271208.2, NM_004543.5); short protein forms D2882N.
Identifiers: ClinVar variation 198308 (VCV000198308.23), dbSNP rs200729207, ClinGen allele CA246878.
Genomic context (GRCh38, chr2:151,640,396, plus strand): 5'-TATGACTCTCAGTACTCACATCGCTCTGGAGGTCATAGGCCTGCCGAGCATGGATGACGT[C>T]GCTCTGGTCGGGCAGGCATGTCCACTGGTGCAGGTAGTTCTTGTAGTCCACATCGCTGAC-3'
Protein context (NP_001157980.2, residues 2872-2892): HQWTCLPDQS[Asp2882Asn]VIHARQAYDL